The following is an entry in ClinVar:

ClinVar aggregate classification (germline): Uncertain significance. Review status: criteria provided, multiple submitters, no conflicts (2 of 4 stars). 3 submissions from 3 submitters: Uncertain significance (3). Last evaluated 2023-05-17.

Allele frequency attached by ClinVar (database versions not stated): TOPMed below 0.00001.

Submissions (3):

GeneDx
Classification: Uncertain significance. Last evaluated: 2023-05-17. Review status: criteria provided, single submitter. Criteria: GeneDx Variant Classification Process June 2021. Collection method: clinical testing. Allele origin: germline. Affected: yes.
Comment: Not observed at significant frequency in large population cohorts (gnomAD); In silico analysis supports that this missense variant does not alter protein structure/function; Has not been previously published as pathogenic or benign to our knowledge

Labcorp Genetics (formerly Invitae), Labcorp
Classification: Uncertain significance. Last evaluated: 2022-07-25. Review status: criteria provided, single submitter. Criteria: Invitae Variant Classification Sherloc (09022015). Collection method: clinical testing. Allele origin: germline.
Comment: This sequence change replaces alanine, which is neutral and non-polar, with valine, which is neutral and non-polar, at codon 1265 of the LAMC3 protein (p.Ala1265Val). This variant is not present in population databases (gnomAD no frequency). This variant has not been reported in the literature in individuals affected with LAMC3-related conditions. ClinVar contains an entry for this variant (Variation ID: 1402184). Algorithms developed to predict the effect of missense changes on protein structure and function (SIFT, PolyPhen-2, Align-GVGD) all suggest that this variant is likely to be tolerated. In summary, the available evidence is currently insufficient to determine the role of this variant in disease. Therefore, it has been classified as a Variant of Uncertain Significance.

Breakthrough Genomics
Classification: Uncertain significance. Review status: criteria provided, single submitter. Criteria: ACMG Guidelines, 2015. Collection method: not provided. Allele origin: germline. Inheritance: Autosomal recessive inheritance. Affected: yes.

NM_006059.4(LAMC3):c.3794C>T (p.Ala1265Val)

Gene: LAMC3 (laminin subunit gamma 3; plus strand). Cytogenetic location: 9q34.12.
Variant type: single nucleotide variant.
Coding change: c.3794C>T on transcript NM_006059.4 (MANE Select); coding-DNA position 3794, C replaced by T.
Protein change: p.Ala1265Val; replaces alanine 1265 with valine.
Molecular consequence: missense variant.
Genome position (GRCh38, 1-based): chr9:131,079,165, C>T. VCF-style: chr9-131079165-C-T. GRCh37 (hg19) VCF-style: chr9-133954552-C-T.
Other names: c.3794C>T (NM_006059.3); short protein forms A1265V.
Identifiers: ClinVar variation 1402184 (VCV001402184.6), dbSNP rs1830189796, ClinGen allele CA375262595.
Genomic context (GRCh38, chr9:131,079,165, plus strand): 5'-CCCTTCCTTTCCAGGCCCTGCCTGAGCGCATTGTCTCCCTGCAGCCTCAGAAGTCCCGGG[C>T]TGAAGACCTGGGCCTGAAGGCGAAGGCCCTGGAGAAGACAGTTGCATCATGGCAGCACAT-3'
Protein context (NP_006050.3, residues 1255-1275): SPGALPQKSR[Ala1265Val]EDLGLKAKAL